The following is an entry in ClinVar:

ClinVar aggregate classification (germline): Benign. Review status: criteria provided, multiple submitters, no conflicts (2 of 4 stars). 5 submissions from 5 submitters: Benign (5). Last evaluated 2026-02-01.

Conditions:
Immunodeficiency, common variable, 1. Also called: ANTIBODY DEFICIENCY DUE TO ICOS DEFECT. Identifiers: Orphanet 1572, Orphanet 695183, MedGen C3149378, MONDO:0011864, OMIM 607594.

Allele frequency attached by ClinVar (database versions not stated): gnomAD 0.02252 and 0.02082; ESP Exome Variant Server 0.02560; gnomAD exomes 0.00208; 1000 Genomes Project 30x 0.02092; 1000 Genomes Project 0.02037; TOPMed 0.02326.
gnomAD v4.1: 6,151 of 1,542,630 alleles (0.4%); highest among the groups gnomAD compares: African/African-American, 7.4%; 218 homozygotes.

Submissions (5):

Labcorp Genetics (formerly Invitae), Labcorp
Classification: Benign for Immunodeficiency, common variable, 1. Last evaluated: 2026-02-01. Review status: criteria provided, single submitter. Criteria: Invitae Variant Classification Sherloc (09022015). Collection method: clinical testing. Allele origin: germline.

Women's Health and Genetics/Laboratory Corporation of America, LabCorp
Classification: Benign. Last evaluated: 2026-01-22. Review status: criteria provided, single submitter. Criteria: LabCorp Variant Classification Summary - May 2015. Collection method: clinical testing. Allele origin: germline.

ARUP Laboratories, Molecular Genetics and Genomics, ARUP Laboratories
Classification: Benign for Immunodeficiency, common variable, 1. Last evaluated: 2025-05-23. Review status: criteria provided, single submitter. Criteria: ARUP Molecular Germline Variant Investigation Process 2024. Collection method: clinical testing. Allele origin: germline.

Mayo Clinic Laboratories, Mayo Clinic
Classification: Benign. Last evaluated: 2022-08-05. Review status: criteria provided, single submitter. Criteria: ACMG Guidelines, 2015. Collection method: clinical testing. Allele origin: germline. Observed: 4 variant alleles.

Illumina Laboratory Services, Illumina
Classification: Benign for Immunodeficiency, common variable, 1. Last evaluated: 2018-01-12. Review status: criteria provided, single submitter. Criteria: ICSL Variant Classification Criteria 13 December 2019. Collection method: clinical testing. Allele origin: germline.
Comment: This variant was observed in the ICSL laboratory as part of a predisposition screen in an ostensibly healthy population. It had not been previously curated by ICSL or reported in the Human Gene Mutation Database (HGMD: prior to June 1st, 2018), and was therefore a candidate for classification through an automated scoring system. Utilizing variant allele frequency, disease prevalence and penetrance estimates, and inheritance mode, an automated score was calculated to assess if this variant is too frequent to cause the disease. Based on the score and internal cut-off values, a variant classified as benign is not then subjected to further curation. The score for this variant resulted in a classification of benign for this disease.

NM_012092.4(ICOS):c.501+7G>A

Gene: ICOS (inducible T cell costimulator; plus strand). Cytogenetic location: 2q33.2.
Variant type: single nucleotide variant.
Coding change: c.501+7G>A on transcript NM_012092.4 (MANE Select); 7 bases into the intron after coding-DNA position 501, G replaced by A.
Molecular consequence: intron variant.
Genome position (GRCh38, 1-based): chr2:203,956,772, G>A. VCF-style: chr2-203956772-G-A. GRCh37 (hg19) VCF-style: chr2-204821495-G-A.
Other names: p.?.
Identifiers: ClinVar variation 333736 (VCV000333736.26), dbSNP rs57149344, ClinGen allele CA2067295.